The following is an entry in ClinVar:

NM_032444.4(SLX4):c.4366C>T (p.Arg1456Cys)

Gene: SLX4 (SLX4 structure-specific endonuclease subunit; minus strand). Cytogenetic location: 16p13.3.
Variant type: single nucleotide variant.
Coding change: c.4366C>T on transcript NM_032444.4 (MANE Select); coding-DNA position 4366, C replaced by T.
Protein change: p.Arg1456Cys; replaces arginine 1456 with cysteine.
Molecular consequence: missense variant.
Genome position (GRCh38, 1-based): chr16:3,589,272, G>A on the plus strand (C>T on the coding strand, the complement: SLX4 is on the minus strand). VCF-style: chr16-3589272-G-A. GRCh37 (hg19) VCF-style: chr16-3639273-G-A.
Other names: c.4366C>T (LRG_503t1); short protein forms R1456C.
Identifiers: ClinVar variation 566609 (VCV000566609.8), dbSNP rs760286353, ClinGen allele CA7865672.

ClinVar aggregate classification (germline): Uncertain significance. Review status: criteria provided, multiple submitters, no conflicts (2 of 4 stars). 2 submissions from 2 submitters: Uncertain significance (2). Last evaluated 2025-11-12.

Conditions:
Fanconi anemia complementation group P. Also called: SLX4-Related Fanconi Anemia. Identifiers: Orphanet 84, MedGen C3469542, MONDO:0013499, OMIM 613951.
Fanconi anemia (FA). Also called: Fanconi's anemia. Identifiers: Orphanet 84, MedGen C0015625, MeSH D005199, MONDO:0019391.

Allele frequency attached by ClinVar (database versions not stated): gnomAD exomes 0.00001 and 0.00003; ExAC 0.00002; TOPMed 0.00002; gnomAD 0.00003.
gnomAD v4.1: 17 of 1,598,234 alleles (0.0011%); highest among the groups gnomAD compares: East Asian, 0.011%; no homozygotes.

Submissions (2):

Labcorp Genetics (formerly Invitae), Labcorp
Classification: Uncertain significance for Fanconi anemia. Last evaluated: 2025-11-12. Review status: criteria provided, single submitter. Criteria: Invitae Variant Classification Sherloc (09022015). Collection method: clinical testing. Allele origin: germline.
Comment: This sequence change replaces arginine, which is basic and polar, with cysteine, which is neutral and slightly polar, at codon 1456 of the SLX4 protein (p.Arg1456Cys). This variant is present in population databases (rs760286353, gnomAD 0.02%). This variant has not been reported in the literature in individuals affected with SLX4-related conditions. ClinVar contains an entry for this variant (Variation ID: 566609). An algorithm developed to predict the effect of missense changes on protein structure and function (PolyPhen-2) suggests that this variant is likely to be disruptive. In summary, the available evidence is currently insufficient to determine the role of this variant in disease. Therefore, it has been classified as a Variant of Uncertain Significance.

Fulgent Genetics
Classification: Uncertain significance for Fanconi anemia complementation group P. Last evaluated: 2024-04-22. Review status: criteria provided, single submitter. Criteria: ACMG Guidelines, 2015. Collection method: clinical testing. Allele origin: germline.